The following is an entry in ClinVar:

ClinVar aggregate classification (germline): Uncertain significance. Review status: criteria provided, multiple submitters, no conflicts (2 of 4 stars). 3 submissions from 3 submitters: Uncertain significance (3). Last evaluated 2026-06-16.

Conditions:
Inborn genetic diseases. Identifiers: MedGen C0950123, MeSH D030342.

Allele frequency attached by ClinVar (database versions not stated): gnomAD 0.00001; gnomAD exomes 0.00001; TOPMed 0.00001.
gnomAD v4.1: 23 of 1,611,362 alleles (0.0014%); highest among the groups gnomAD compares: Non-Finnish European, 0.0019%; no homozygotes.

Submissions (3):

Greenwood Genetic Center Diagnostic Laboratories, Greenwood Genetic Center
Classification: Uncertain significance. Last evaluated: 2026-06-16. Review status: criteria provided, single submitter. Criteria: ACMG Guidelines, 2015. Collection method: clinical testing. Allele origin: germline.
Comment: PM2, PP2

GeneDx
Classification: Uncertain significance. Last evaluated: 2024-11-18. Review status: criteria provided, single submitter. Criteria: GeneDx Variant Classification Process June 2021. Collection method: clinical testing. Allele origin: germline. Affected: yes.
Comment: Not observed at significant frequency in large population cohorts (gnomAD); In silico analysis supports that this missense variant has a deleterious effect on protein structure/function; Has not been previously published as pathogenic or benign to our knowledge

Ambry Genetics
Classification: Uncertain significance for Inborn genetic diseases. Last evaluated: 2022-11-10. Review status: criteria provided, single submitter. Criteria: Ambry Variant Classification Scheme 2023. Collection method: clinical testing. Allele origin: germline.

NM_001378457.1(DMXL2):c.5674C>T (p.His1892Tyr)

Gene: DMXL2 (Dmx like 2; minus strand). Cytogenetic location: 15q21.2.
Variant type: single nucleotide variant.
Coding change: c.5674C>T on transcript NM_001378457.1 (MANE Select); coding-DNA position 5674, C replaced by T.
Protein change: p.His1892Tyr; replaces histidine 1892 with tyrosine.
Molecular consequence: missense variant. On other transcripts: non-coding transcript variant (2).
Genome position (GRCh38, 1-based): chr15:51,481,432, G>A on the plus strand (C>T on the coding strand, the complement: DMXL2 is on the minus strand). VCF-style: chr15-51481432-G-A. GRCh37 (hg19) VCF-style: chr15-51773629-G-A.
Other names: c.5674C>T, p.His1892Tyr (NM_001174116.3, NM_001378458.1, NM_001378459.1 and 4 more transcripts); c.3766C>T, p.His1256Tyr (NM_001174117.3); c.3655C>T, p.His1219Tyr (NM_001378460.1); c.5434C>T, p.His1812Tyr (NM_001378464.1); short protein forms H1892Y, H1812Y, H1219Y, H1256Y.
Identifiers: ClinVar variation 2403401 (VCV002403401.4), dbSNP rs371723512, ClinGen allele CA270598268.